The following is an entry in ClinVar:

ClinVar aggregate classification (germline): Conflicting classifications of pathogenicity. Review status: criteria provided, conflicting classifications (1 of 4 stars). 2 submissions from 2 submitters: Pathogenic (1); Uncertain significance (1). Last evaluated 2025-10-27.

Conditions:
Naxos disease (NXD). Also called: KERATOSIS PALMOPLANTARIS WITH ARRHYTHMOGENIC CARDIOMYOPATHY; MAL DE NAXOS; PALMOPLANTAR KERATODERMA WITH ARRHYTHMOGENIC RIGHT VENTRICULAR CARDIOMYOPATHY AND WOOLLY HAIR; WOOLLY HAIR, PALMOPLANTAR KERATODERMA, AND CARDIAC ABNORMALITIES; CARDIOMYOPATHY, ARRHYTHMOGENIC RIGHT VENTRICULAR, WITH SKIN, HAIR, AND NAIL ABNORMALITIES. Identifiers: Orphanet 34217, MedGen C1832600, MONDO:0011017, OMIM 601214.
Arrhythmogenic right ventricular dysplasia 12. Also called: ARRHYTHMOGENIC RIGHT VENTRICULAR DYSPLASIA, FAMILIAL, 12. Identifiers: MedGen C1969081, MONDO:0012684, OMIM 611528.
Cardiovascular phenotype. Identifiers: MedGen CN230736.

Submissions (2):

Labcorp Genetics (formerly Invitae), Labcorp
Classification: Pathogenic for Arrhythmogenic right ventricular dysplasia 12; Naxos disease. Last evaluated: 2025-10-27. Review status: criteria provided, single submitter. Criteria: Invitae Variant Classification Sherloc (09022015). Collection method: clinical testing. Allele origin: germline.
Comment: This sequence change creates a premature translational stop signal (p.Pro156Argfs*4) in the JUP gene. It is expected to result in an absent or disrupted protein product. Loss-of-function variants in JUP are known to be pathogenic (PMID: 10902626). This variant is not present in population databases (gnomAD no frequency). This variant has not been reported in the literature in individuals affected with JUP-related conditions. ClinVar contains an entry for this variant (Variation ID: 4089555). For these reasons, this variant has been classified as Pathogenic.

Ambry Genetics
Classification: Uncertain significance for Cardiovascular phenotype. Last evaluated: 2025-08-20. Review status: criteria provided, single submitter. Criteria: Ambry Variant Classification Scheme 2023. Collection method: clinical testing. Allele origin: germline.
Comment: The c.467delC variant, located in coding exon 2 of the JUP gene, results from a deletion of one nucleotide at nucleotide position 467, causing a translational frameshift with a predicted alternate stop codon (p.P156Rfs*4). This alteration is expected to result in loss of function by premature protein truncation or nonsense-mediated mRNA decay. Although biallelic loss of function of JUP has been associated with autosomal recessive Naxos disease, haploinsufficiency of JUP has not been established as a mechanism of disease for autosomal dominant arrhythmogenic right ventricular cardiomyopathy (ARVC). Based on the supporting evidence, this variant is expected to be causative of Naxos disease when present along with a second pathogenic variant on the other allele; however, its clinical significance for ARVC is unclear.

Literature cited by the submitters: PubMed 10902626 (cited by Labcorp Genetics (formerly Invitae), Labcorp).

NM_002230.4(JUP):c.467del (p.Pro156fs)

Gene: JUP (junction plakoglobin; minus strand). Cytogenetic location: 17q21.2.
Variant type: Deletion.
Coding change: c.467del on transcript NM_002230.4 (MANE Select); coding-DNA position 467, one base deleted (C; older notation c.467delC).
Protein change: p.Pro156fs; shifts the reading frame from proline 156.
Molecular consequence: frameshift variant.
Genome position (GRCh38, 1-based): chr17:41,769,419, G deleted on the plus strand (C on the coding strand, the reverse complement: JUP is on the minus strand); the first of 3 consecutive G bases (chr17:41,769,419-41,769,421); deleting any one gives the same sequence. VCF-style (leftmost placement, unchanged base first): chr17-41769418-CG-C. GRCh37 (hg19) VCF-style: chr17-39925670-CG-C.
Other names: c.467del, p.Pro156fs (NM_001352773.2, NM_001352774.2, NM_001352775.2 and 3 more transcripts); c.467delC (NM_002230.2); short protein forms P156fs.
Identifiers: ClinVar variation 4089555 (VCV004089555.2).
Genomic context (GRCh38, chr17:41,769,418, plus strand): 5'-AGGACATCTGCTCTCTCCCCTCCCTGCCCAGCCCCCACCCTAGCAGGGACCCTCACAGAC[CG>C]GGTCCTCGTCGTTGAGCAGTTTGGTGAGCTCGGGCAGGGCGCGAGTGGCCAGCTCGGCAT-3'